The following is an entry in ClinVar:

NM_000535.7(PMS2):c.189G>A (p.Val63=)

Gene: PMS2 (PMS1 homolog 2, mismatch repair system component; minus strand). Cytogenetic location: 7p22.1.
Variant type: single nucleotide variant.
Coding change: c.189G>A on transcript NM_000535.7 (MANE Select); coding-DNA position 189, G replaced by A.
Protein change: p.Val63=; no amino-acid change (valine 63 retained).
Molecular consequence: synonymous variant. On other transcripts: 5 prime UTR variant (11), non-coding transcript variant (1).
Genome position (GRCh38, 1-based): chr7:6,004,033, C>T on the plus strand (G>A on the coding strand, the complement: PMS2 is on the minus strand). VCF-style: chr7-6004033-C-T. GRCh37 (hg19) VCF-style: chr7-6043664-C-T.
Other names: c.-217G>A (NM_001322003.2, NM_001322004.2, NM_001322005.2 and 3 more transcripts); c.189G>A, p.Val63= (NM_001322006.2, NM_001322014.2); c.-27G>A (NM_001322007.2, NM_001322008.2); c.-696G>A (NM_001322011.2, NM_001322012.2); c.-296G>A (NM_001322015.2).
Identifiers: ClinVar variation 186597 (VCV000186597.24), dbSNP rs786203074, ClinGen allele CA010421.

ClinVar aggregate classification (germline): Benign/Likely benign. Review status: criteria provided, multiple submitters, no conflicts (2 of 4 stars). 8 submissions from 8 submitters: Benign (1); Likely benign (7). Last evaluated 2025-07-10.

Conditions:
Hereditary nonpolyposis colorectal neoplasms. Identifiers: MedGen C0009405, MeSH D003123.
Lynch syndrome. Identifiers: Orphanet 144, MedGen C4552100, MONDO:0005835. Disease mechanism: loss of function.
Breast and/or ovarian cancer. Identifiers: MedGen CN221562.
Hereditary cancer-predisposing syndrome. Also called: Neoplastic Syndromes, Hereditary; Tumor predisposition; Hereditary Cancer Syndrome; Hereditary neoplastic syndrome. Identifiers: Orphanet 140162, MedGen C0027672, MeSH D009386, MONDO:0015356.
Lynch syndrome 4 (LYNCH4). Also called: Colorectal cancer, hereditary nonpolyposis, type 4; Hereditary non-polyposis colorectal cancer, type 4. Identifiers: Orphanet 144, MedGen C1838333, MONDO:0013699, OMIM 614337. Disease mechanism: loss of function.

Allele frequency attached by ClinVar (database versions not stated): gnomAD exomes below 0.00001; TOPMed below 0.00001.

Submissions (8):

Labcorp Genetics (formerly Invitae), Labcorp
Classification: Likely benign for Hereditary nonpolyposis colorectal neoplasms. Last evaluated: 2025-07-10. Review status: criteria provided, single submitter. Criteria: Invitae Variant Classification Sherloc (09022015). Collection method: clinical testing. Allele origin: germline.

Center for Genomic Medicine, Rigshospitalet, Copenhagen University Hospital
Classification: Likely benign. Last evaluated: 2025-03-04. Review status: criteria provided, single submitter. Criteria: ACMG Guidelines, 2015. Collection method: clinical testing. Allele origin: germline.

Myriad Genetics, Inc.
Classification: Benign for Lynch syndrome 4. Last evaluated: 2025-01-23. Review status: criteria provided, single submitter. Criteria: Myriad Autosomal Dominant, Autosomal Recessive and X-Linked Classification Criteria (2023). Collection method: clinical testing. Allele origin: unknown.
Comment: This variant is considered benign. This variant is a silent/synonymous amino acid change and it is not expected to impact splicing.

All of Us Research Program, National Institutes of Health
Classification: Likely benign for Lynch syndrome. Last evaluated: 2024-02-05. Review status: criteria provided, single submitter. Criteria: ACMG Guidelines, 2015. Collection method: clinical testing. Allele origin: germline. Inheritance: Autosomal dominant inheritance. Observed: 1 variant allele, 1 heterozygote.
Comment: This study involves interpretation of variants in research participants for the purpose of population health screening. Participant phenotype was not available at the time of variant classification. Additional details can be found in publication PMID: 35346344, PMCID: PMC8962531

CHEO Genetics Diagnostic Laboratory, Children's Hospital of Eastern Ontario
Classification: Likely benign for Breast and/or ovarian cancer. Last evaluated: 2021-06-16. Review status: criteria provided, single submitter. Criteria: ACMG Guidelines, 2015. Collection method: clinical testing. Allele origin: germline.

Color Diagnostics, LLC DBA Color Health
Classification: Likely benign for Hereditary cancer-predisposing syndrome. Last evaluated: 2018-10-24. Review status: criteria provided, single submitter. Criteria: ACMG Guidelines, 2015. Collection method: clinical testing. Allele origin: germline.

GeneDx
Classification: Likely benign. Last evaluated: 2016-08-24. Review status: criteria provided, single submitter. Criteria: GeneDx Variant Classification (06012015). Collection method: clinical testing. Allele origin: germline. Affected: yes.
Comment: This variant is considered likely benign or benign based on one or more of the following criteria: it is a conservative change, it occurs at a poorly conserved position in the protein, it is predicted to be benign by multiple in silico algorithms, and/or has population frequency not consistent with disease.

Ambry Genetics
Classification: Likely benign for Hereditary cancer-predisposing syndrome. Last evaluated: 2014-10-17. Review status: criteria provided, single submitter. Criteria: Ambry Variant Classification Scheme 2023. Collection method: clinical testing. Allele origin: germline.